The following is an entry in ClinVar:

ClinVar aggregate classification (germline): Likely benign. Review status: criteria provided, single submitter (1 of 4 stars). 3 submissions from 3 submitters: Likely benign (1). 2 of the submissions do not count toward it. Last evaluated 2026-01-20.

Conditions:
NEB-related disorder. Also called: NEB-related condition; NEB-Related Disorders.
Nemaline myopathy 2 (NEM2). Also called: Nemaline myopathy 2, autosomal recessive. Identifiers: MedGen C1850569, MONDO:0009725, OMIM 256030.

Allele frequency attached by ClinVar (database versions not stated): gnomAD exomes 0.00005 and 0.00015; ExAC 0.00018; 1000 Genomes Project 0.00040; gnomAD 0.00046 and 0.00048; 1000 Genomes Project 30x 0.00047; TOPMed 0.00056; ESP Exome Variant Server 0.00059.
gnomAD v4.1: 133 of 1,528,300 alleles (0.0087%); highest among the groups gnomAD compares: African/African-American, 0.17%; no homozygotes.

Submissions (3):

Labcorp Genetics (formerly Invitae), Labcorp
Classification: Likely benign for Nemaline myopathy 2. Last evaluated: 2026-01-20. Review status: criteria provided, single submitter. Criteria: Invitae Variant Classification Sherloc (09022015). Collection method: clinical testing. Allele origin: germline.

PreventionGenetics, part of Exact Sciences
Classification: Likely benign for NEB-related condition. Last evaluated: 2020-01-31. Review status: no assertion criteria provided. Collection method: clinical testing. Allele origin: germline. Not counted in ClinVar's aggregate classification.
Comment: This variant is classified as likely benign based on ACMG/AMP sequence variant interpretation guidelines (Richards et al. 2015 PMID: 25741868, with internal and published modifications).

Natera, Inc.
Classification: Uncertain significance for Nemaline myopathy type 2. Last evaluated: 2020-01-17. Review status: no assertion criteria provided. Collection method: clinical testing. Allele origin: germline. Not counted in ClinVar's aggregate classification.

NM_001164508.2(NEB):c.19315-10T>C

Gene: NEB (nebulin; minus strand). Cytogenetic location: 2q23.3.
Variant type: single nucleotide variant.
Coding change: c.19315-10T>C on transcript NM_001164508.2 (MANE Select); 10 bases into the intron before coding-DNA position 19315, T replaced by C.
Molecular consequence: intron variant.
Genome position (GRCh38, 1-based): chr2:151,555,054, A>G on the plus strand (T>C on the coding strand, the complement: NEB is on the minus strand). VCF-style: chr2-151555054-A-G. GRCh37 (hg19) VCF-style: chr2-152411568-A-G.
Other names: c.14212-10T>C (NM_004543.5); c.19315-10T>C (NM_001164507.2, NM_001271208.2).
Identifiers: ClinVar variation 705918 (VCV000705918.15), dbSNP rs201473873, ClinGen allele CA1907687.